The following is an entry in ClinVar:

NM_153700.2(STRC):c.3436G>A (p.Asp1146Asn)

Gene: STRC (stereocilin; minus strand). Cytogenetic location: 15q15.3.
Variant type: single nucleotide variant.
Coding change: c.3436G>A on transcript NM_153700.2 (MANE Select); coding-DNA position 3436, G replaced by A.
Protein change: p.Asp1146Asn; replaces aspartic acid 1146 with asparagine.
Molecular consequence: missense variant.
Genome position (GRCh38, 1-based): chr15:43,610,374, C>T on the plus strand (G>A on the coding strand, the complement: STRC is on the minus strand). VCF-style: chr15-43610374-C-T. GRCh37 (hg19) VCF-style: chr15-43902572-C-T.
Other names: short protein forms D1146N.
Identifiers: ClinVar variation 4979803 (VCV004979803.1).

ClinVar aggregate classification (germline): Uncertain significance (1 of 4 stars; one submission).

Conditions:
STRC-related disorder. Also called: STRC-related condition.

Submission:

PreventionGenetics, part of Exact Sciences
Classification: Uncertain significance for STRC-related condition. Last evaluated: 2026-07-27. Review status: criteria provided, single submitter. Criteria: ACMG Guidelines, 2015. Collection method: clinical testing. Allele origin: germline.
Comment: The STRC c.3436G>A variant is predicted to result in the amino acid substitution p.Asp1146Asn. This variant was reported together with second STRC variant in an individual with non-syndromic deafness (Francey et al. 2012. PubMed ID: 22147502). This variant is reported in 0.071% of alleles in individuals of African descent in gnomAD. At this time, the clinical significance of this variant is uncertain due to the absence of conclusive functional and genetic evidence.